The following is an entry in ClinVar:

NM_001735.3(C5):c.2851+6C>G

Gene: C5 (complement C5; minus strand). Cytogenetic location: 9q33.2.
Variant type: single nucleotide variant.
Coding change: c.2851+6C>G on transcript NM_001735.3 (MANE Select); 6 bases into the intron after coding-DNA position 2851, C replaced by G.
Molecular consequence: intron variant.
Genome position (GRCh38, 1-based): chr9:120,996,234, G>C on the plus strand (C>G on the coding strand, the complement: C5 is on the minus strand). VCF-style: chr9-120996234-G-C. GRCh37 (hg19) VCF-style: chr9-123758512-G-C.
Other names: c.2869+6C>G (NM_001317163.2).
Identifiers: ClinVar variation 1932389 (VCV001932389.5), dbSNP rs763487732, ClinGen allele CA5217650.

ClinVar aggregate classification (germline): Uncertain significance (1 of 4 stars; one submission).

Allele frequency attached by ClinVar (database versions not stated): ExAC 0.00002; gnomAD 0.00003; TOPMed 0.00004.
gnomAD v4.1: 12 of 1,588,106 alleles (0.00076%); highest among the groups gnomAD compares: African/African-American, 0.016%; no homozygotes.

Submission:

Labcorp Genetics (formerly Invitae), Labcorp
Classification: Uncertain significance. Last evaluated: 2022-02-06. Review status: criteria provided, single submitter. Criteria: Invitae Variant Classification Sherloc (09022015). Collection method: clinical testing. Allele origin: germline.
Comment: Variants that disrupt the consensus splice site are a relatively common cause of aberrant splicing (PMID: 17576681, 9536098). Algorithms developed to predict the effect of sequence changes on RNA splicing suggest that this variant may disrupt the consensus splice site. In summary, the available evidence is currently insufficient to determine the role of this variant in disease. Therefore, it has been classified as a Variant of Uncertain Significance. This sequence change falls in intron 22 of the C5 gene. It does not directly change the encoded amino acid sequence of the C5 protein. It affects a nucleotide within the consensus splice site. This variant is present in population databases (rs763487732, gnomAD 0.03%). This variant has not been reported in the literature in individuals affected with C5-related conditions.

Literature cited by the submitters: PubMed 17576681; PubMed 9536098.